The following is an entry in ClinVar:

ClinVar aggregate classification (germline): Uncertain significance. Review status: reviewed by expert panel (3 of 4 stars). 5 submissions from 5 submitters: Uncertain significance (1). 4 of the submissions do not count toward it. Last evaluated 2025-05-20.

Conditions:
Retinitis pigmentosa 3. Also called: CHOROIDORETINAL DEGENERATION WITH RETINAL REFLEX IN HETEROZYGOUS WOMEN. Identifiers: Orphanet 791, MedGen C1845667, MONDO:0010227, OMIM 300029.
RPGR-related retinopathy. Also called: RPGR retinopathy. Identifiers: MedGen CN305589, MONDO:0100437.

Submissions (5):

ClinGen X-linked Inherited Retinal Disease Variant Curation Expert Panel, ClinGen
Classification: Uncertain significance for RPGR-related retinopathy. Last evaluated: 2025-05-20. Review status: reviewed by expert panel. Criteria: ClinGen X LinkedIRD ACMG Specifications RPGR V1.0.0. Collection method: curation. Allele origin: germline. Inheritance: X-linked inheritance.
Comment: NM_001034853.2(RPGR):c.389T>G (p.Phe130Cys) is a missense variant predicted to cause substitution of phenylalanine by cysteine at amino acid 130. This variant is absent from hemizygous individuals in gnomAD v4.1.0 (PM2_Supporting). The computational predictor REVEL gives the variant a score of 0.764, which is between the ClinGen X-linked IRD VCEP threshold of 0.644 to 0.773 and predicts a damaging effect on RPGR function (PP3). The computational splicing predictor SpliceAI gives a delta score of 0.05 for donor loss, which is below the ClinGen X-linked IRD VCEP threshold of >0.2 and does not predict that the variant disrupts RPGR splicing. The variant protein has shown severely decreased interaction with RPGRIP1 in a yeast-2-hybrid assay (PMID: 10958648, PMID: 23213406), as well as complete mislocalization to the cytoplasm rather than to the primary cilium (PMID: 30622176) and disrupted interactions with PDE6D, RPGRIP1L, and INPP5E (PMID: 30622176, PS3_supporting). At least one proband harboring this variant exhibits a phenotype including early onset (1), family history consistent with X-linked inheritance (2) with a milder phenotype in females (1), pigmentary retinopathy (0.5), optic nerve pallor (0.5), and decreased central visual acuity (0.5), which together are specific for RPGR-related retinopathy (5.5 points, PP4, personal communication with clinician regarding an unpublished proband). The variant has been reported to segregate with retinal dystrophy through at least 1 affected meiosis (an affected mother and her son) from 1 family. (PP1, personal communication with author). In summary, this variant is classified as a variant of uncertain significance for RPGR-related retinopathy based on the ClinGen X-linked Inherited Retinal Disease Expert Panel Specifications to the ACMG/AMP Variant Interpretation Guidelines for RPGR Version 1.0.0; PS3_Supporting, PM2_Supporting, PP3, PP4, and PP1. (date of approval 05/16/2025).

OMIM
Classification: Pathogenic for RETINITIS PIGMENTOSA 3. Last evaluated: 2010-09-15. Review status: no assertion criteria provided. Collection method: literature only. Allele origin: germline. Not counted in ClinVar's aggregate classification.

Clinical Genetics DNA and cytogenetics Diagnostics Lab, Erasmus MC, Erasmus Medical Center
Classification: Pathogenic. Review status: no assertion criteria provided. Collection method: clinical testing. Allele origin: germline. Affected: yes. Study: VKGL Data-share Consensus. Not counted in ClinVar's aggregate classification.

Clinical Genetics, Academic Medical Center
Classification: Likely pathogenic. Review status: no assertion criteria provided. Collection method: clinical testing. Allele origin: germline. Affected: yes. Study: VKGL Data-share Consensus. Not counted in ClinVar's aggregate classification.

Retina International
No classification provided. Review status: no classification provided. Collection method: not provided. Allele origin: not provided. Not counted in ClinVar's aggregate classification.

Literature cited by the submitters: PubMed 8817343 (cited by OMIM); PubMed 20631154 (cited by OMIM).

NM_001034853.2(RPGR):c.389T>G (p.Phe130Cys)

Gene: RPGR (retinitis pigmentosa GTPase regulator; minus strand). Cytogenetic location: Xp11.4.
Variant type: single nucleotide variant.
Coding change: c.389T>G on transcript NM_001034853.2 (MANE Select); coding-DNA position 389, T replaced by G.
Protein change: p.Phe130Cys; replaces phenylalanine 130 with cysteine.
Molecular consequence: missense variant. On other transcripts: non-coding transcript variant (6).
Genome position (GRCh38, 1-based): chrX:38,318,909, A>C on the plus strand (T>G on the coding strand, the complement: RPGR is on the minus strand). VCF-style: chrX-38318909-A-C. GRCh37 (hg19) VCF-style: chrX-38178162-A-C.
Other names: NM_001034853.2(RPGR):c.389T>G; c.389T>G, p.Phe130Cys (NM_000328.3, NM_001367245.1, NM_001367246.1 and 3 more transcripts); c.419T>G, p.Phe140Cys (NM_001367248.1); c.386T>G, p.Phe129Cys (NM_001367249.1); short protein forms F130C, F140C, F129C.
Identifiers: ClinVar variation 9897 (VCV000009897.4), dbSNP rs62638644, ClinGen allele CA226418.
Genomic context (GRCh38, chrX:38,318,909, plus strand): 5'-TTAGATCCAGCAGACAGCTGCTTAATCTTATGCTCGGATGTAAAAAAGCTAATTACATGA[A>C]AAGTGTTTCTTTCTTCGGTGTCACCAAGCCCCAACTGTCCTTCATTATTTCCACCAGTTG-3'
Protein context (NP_001030025.1, residues 120-140): GLGDTEERNT[Phe130Cys]HVISFFTSEH